The following is an entry in ClinVar:

ClinVar aggregate classification (germline): Uncertain significance (1 of 4 stars; one submission).

Allele frequency attached by ClinVar (database versions not stated): gnomAD 0.00001; TOPMed 0.00001.
gnomAD v4.1: 2 of 1,612,120 alleles (0.00012%); highest among the groups gnomAD compares: Admixed American, 0.0017%; no homozygotes.

Submission:

Labcorp Genetics (formerly Invitae), Labcorp
Classification: Uncertain significance. Last evaluated: 2021-04-02. Review status: criteria provided, single submitter. Criteria: Invitae Variant Classification Sherloc (09022015). Collection method: clinical testing. Allele origin: germline.
Comment: In summary, the available evidence is currently insufficient to determine the role of this variant in disease. Therefore, it has been classified as a Variant of Uncertain Significance. Algorithms developed to predict the effect of missense changes on protein structure and function output the following: SIFT: "Tolerated"; PolyPhen-2: "Benign"; Align-GVGD: "Class C0". The asparagine amino acid residue is found in multiple mammalian species, suggesting that this missense change does not adversely affect protein function. These predictions have not been confirmed by published functional studies and their clinical significance is uncertain. This variant has not been reported in the literature in individuals with HTRA2-related conditions. This variant is not present in population databases (ExAC no frequency). This sequence change replaces serine with asparagine at codon 56 of the HTRA2 protein (p.Ser56Asn). The serine residue is moderately conserved and there is a small physicochemical difference between serine and asparagine.

NM_013247.5(HTRA2):c.167G>A (p.Ser56Asn)

Gene: HTRA2 (HtrA serine peptidase 2; plus strand). Cytogenetic location: 2p13.1.
Variant type: single nucleotide variant.
Coding change: c.167G>A on transcript NM_013247.5 (MANE Select); coding-DNA position 167, G replaced by A.
Protein change: p.Ser56Asn; replaces serine 56 with asparagine.
Molecular consequence: missense variant. On other transcripts: non-coding transcript variant (1).
Genome position (GRCh38, 1-based): chr2:74,530,173, G>A. VCF-style: chr2-74530173-G-A. GRCh37 (hg19) VCF-style: chr2-74757300-G-A.
Other names: c.167G>A, p.Ser56Asn (NM_001321727.1, NM_001321728.1, NM_145074.2); short protein forms S56N.
Identifiers: ClinVar variation 1522523 (VCV001522523.8), dbSNP rs1251234501, ClinGen allele CA347375999.